The following is an entry in ClinVar:

NM_032578.4(MYPN):c.398dup (p.Glu134fs)

Gene: MYPN (myopalladin; plus strand). Cytogenetic location: 10q21.3.
Variant type: Duplication.
Coding change: c.398dup on transcript NM_032578.4 (MANE Select); coding-DNA position 398, one base duplicated (A; older notation c.398dupA).
Protein change: p.Glu134fs; shifts the reading frame from glutamic acid 134.
Molecular consequence: frameshift variant. On other transcripts: 5 prime UTR variant (1), non-coding transcript variant (1).
Genome position (GRCh38, 1-based): chr10:68,121,836, A duplicated. VCF-style (leftmost placement, unchanged base first): chr10-68121835-C-CA. GRCh37 (hg19) VCF-style: chr10-69881592-C-CA.
Other names: c.398dup, p.Glu134fs (NM_001256267.2); c.-725dup (NM_001256268.2); short protein forms E134fs.
Identifiers: ClinVar variation 1736759 (VCV001736759.2), dbSNP rs2495462859, ClinGen allele CA2580081721.
Genomic context (GRCh38, chr10:68,121,835, plus strand): 5'-TTTGAGCCTAACTTCTGCCAGGATAACCCTCGAAGTCCCACCAGCTCTAAAGAAAGCCCC[C>CA]AGGAGGCAAAAAGGCCACAGTATTGTTCTGAAACCCAGTCCAAAAAAGTATTTTTAAATA-3'

ClinVar aggregate classification (germline): Uncertain significance (1 of 4 stars; one submission).

Conditions:
Cardiovascular phenotype. Identifiers: MedGen CN230736.

Submission:

Ambry Genetics
Classification: Uncertain significance for Cardiovascular phenotype. Last evaluated: 2021-04-23. Review status: criteria provided, single submitter. Criteria: Ambry Variant Classification Scheme 2023. Collection method: clinical testing. Allele origin: germline.
Comment: The c.398dupA variant, located in coding exon 1 of the MYPN gene, results from a duplication of A at nucleotide position 398, causing a translational frameshift with a predicted alternate stop codon (p.E134Gfs*10). This alteration is expected to result in loss of function by premature protein truncation or nonsense-mediated mRNA decay. However, this region of the MYPN gene is excluded from other biologically relevant MYPN transcripts. Since supporting evidence is limited at this time, the clinical significance of this alteration remains unclear.